The following is an entry in ClinVar:

ClinVar aggregate classification (germline): Conflicting classifications of pathogenicity. Review status: criteria provided, conflicting classifications (1 of 4 stars). 2 submissions from 2 submitters: Pathogenic (1); Uncertain significance (1). Last evaluated 2022-05-04.

Conditions:
Trichohepatoenteric syndrome 1 (THES1). Also called: DIARRHEA, FATAL INFANTILE, WITH TRICHORRHEXIS NODOSA. Identifiers: Orphanet 84064, MedGen C4551982, MONDO:0024541, OMIM 222470.

Submissions (2):

Mendelics
Classification: Pathogenic for Trichohepatoenteric syndrome 1. Last evaluated: 2022-05-04. Review status: criteria provided, single submitter. Criteria: Mendelics Assertion Criteria 2019. Collection method: clinical testing. Allele origin: germline.

Labcorp Genetics (formerly Invitae), Labcorp
Classification: Uncertain significance. Last evaluated: 2021-08-03. Review status: criteria provided, single submitter. Criteria: Invitae Variant Classification Sherloc (09022015). Collection method: clinical testing. Allele origin: germline.
Comment: This variant, c.2353_2361del, results in the deletion of 3 amino acid(s) of the TTC37 protein (p.Asn785_Tyr787del), but otherwise preserves the integrity of the reading frame. This variant is not present in population databases (ExAC no frequency). This variant has not been reported in the literature in individuals affected with TTC37-related conditions. Experimental studies and prediction algorithms are not available or were not evaluated, and the functional significance of this variant is currently unknown. In summary, the available evidence is currently insufficient to determine the role of this variant in disease. Therefore, it has been classified as a Variant of Uncertain Significance.

NM_014639.4(SKIC3):c.2353_2361del (p.Asn785_Tyr787del)

Gene: SKIC3 (SKI3 subunit of superkiller complex; minus strand). Cytogenetic location: 5q15.
Variant type: Deletion.
Coding change: c.2353_2361del on transcript NM_014639.4 (MANE Select); coding-DNA positions 2353 to 2361, 9 bases deleted (AATTATTAT; older notation c.2353_2361delAATTATTAT).
Protein change: p.Asn785_Tyr787del.
Molecular consequence: inframe deletion.
Genome position (GRCh38, 1-based): chr5:95,516,991-95,516,999, ATAATAATT deleted on the plus strand (AATTATTAT on the coding strand, the reverse complement: SKIC3 is on the minus strand); deleting any 9 consecutive bases within chr5:95,516,991-95,517,000 gives the same sequence; the c. name uses the placement nearest the transcript's 3' end. VCF-style (leftmost placement, unchanged base first): chr5-95516990-GATAATAATT-G. GRCh37 (hg19) VCF-style: chr5-94852694-GATAATAATT-G.
Identifiers: ClinVar variation 1466479 (VCV001466479.3), dbSNP rs1174587137, ClinGen allele CA561278110.